The following is an entry in ClinVar:

NM_001111125.3(IQSEC2):c.3718dup (p.His1240fs)

Gene: IQSEC2 (IQ motif and Sec7 domain ArfGEF 2; minus strand). Cytogenetic location: Xp11.22.
Variant type: Duplication.
Coding change: c.3718dup on transcript NM_001111125.3 (MANE Select); coding-DNA position 3718, one base duplicated (C; older notation c.3718dupC).
Protein change: p.His1240fs; shifts the reading frame from histidine 1240.
Molecular consequence: frameshift variant. On other transcripts: 3 prime UTR variant (1).
Genome position (GRCh38, 1-based): chrX:53,234,968, G duplicated on the plus strand (C on the coding strand, the reverse complement: IQSEC2 is on the minus strand); the first of 2 consecutive G bases (chrX:53,234,968-53,234,969); duplicating either gives the same sequence. VCF-style (leftmost placement, unchanged base first): chrX-53234967-T-TG. GRCh37 (hg19) VCF-style: chrX-53264149-T-TG.
Other names: c.*203dup (NM_015075.2); short protein forms H1240fs.
Identifiers: ClinVar variation 817936 (VCV000817936.1), dbSNP rs1602257730, ClinGen allele CA915951123.

ClinVar aggregate classification (germline): Pathogenic (1 of 4 stars; one submission).

Submission:

GeneDx
Classification: Pathogenic. Last evaluated: 2018-12-04. Review status: criteria provided, single submitter. Criteria: GeneDx Variant Classification (06012015). Collection method: clinical testing. Allele origin: germline. Affected: yes.
Comment: The c.3718dupC pathogenic variant in the IQSEC2 gene causes a frameshift starting with codon Histidine 1240, changes this amino acid to a Proline residue and creates a premature Stop codon at position 11 of the new reading frame, denoted p.His1240ProfsX11. This pathogenic frameshift variant in the C-terminus is predicted to result in protein truncation, as the last 249 amino acids are lost and replaced with 10 incorrect amino acids. The c.3718dupC variant is not observed in large population cohorts (Lek et al., 2016).